The following is an entry in ClinVar:

ClinVar aggregate classification (germline): Uncertain significance (1 of 4 stars; one submission).

Conditions:
Cardiac arrhythmia. Also called: Cardiac rhythm disease; Arrhythmia. Identifiers: MedGen C0003811, MONDO:0007263, HP:0011675.

gnomAD v4.1: 7 of 1,538,220 alleles (0.00046%); highest among the groups gnomAD compares: African/African-American, 0.0027%; no homozygotes.

Submission:

Color Diagnostics, LLC DBA Color Health
Classification: Uncertain significance for Cardiac arrhythmia. Last evaluated: 2024-03-25. Review status: criteria provided, single submitter. Criteria: ACMG Guidelines, 2015. Collection method: clinical testing. Allele origin: germline.
Comment: This variant is located in the 3' untranslated region of the KCNQ1 gene. To our knowledge, functional studies have not been reported for this variant. This variant has not been reported in individuals affected with cardiovascular disorders in the literature. This variant has not been identified in the general population by the Genome Aggregation Database (gnomAD). The available evidence is insufficient to determine the role of this variant in disease conclusively. Therefore, this variant is classified as a Variant of Uncertain Significance.

NM_000218.3(KCNQ1):c.*6G>A

Genes: KCNQ1 (potassium voltage-gated channel subfamily Q member 1; plus strand), KCNQ1-AS1 (KCNQ1 antisense RNA 1; minus strand). Cytogenetic location: 11p15.4.
Variant type: single nucleotide variant.
Coding change: c.*6G>A on transcript NM_000218.3 (MANE Select); 6 bases downstream of the stop codon, G replaced by A.
Molecular consequence: 3 prime UTR variant.
Genome position (GRCh38, 1-based): chr11:2,848,009, G>A. VCF-style: chr11-2848009-G-A. GRCh37 (hg19) VCF-style: chr11-2869239-G-A.
Other names: c.*6G>A (NM_001406836.1, NM_001406837.1, NM_001406838.1 and 2 more transcripts).
Identifiers: ClinVar variation 919839 (VCV000919839.7), dbSNP rs1349244002, ClinGen allele CA1139661767.